The following is an entry in ClinVar:

ClinVar aggregate classification (germline): Uncertain significance (1 of 4 stars; one submission).

Allele frequency attached by ClinVar (database versions not stated): gnomAD exomes 0.00001 and 0.00002; ExAC 0.00001.
gnomAD v4.1: 30 of 1,613,744 alleles (0.0019%); highest among the groups gnomAD compares: Non-Finnish European, 0.0025%; no homozygotes.

Submission:

Labcorp Genetics (formerly Invitae), Labcorp
Classification: Uncertain significance. Last evaluated: 2025-02-26. Review status: criteria provided, single submitter. Criteria: Invitae Variant Classification Sherloc (09022015). Collection method: clinical testing. Allele origin: germline.
Comment: This sequence change replaces arginine, which is basic and polar, with cysteine, which is neutral and slightly polar, at codon 442 of the MAP3K8 protein (p.Arg442Cys). This variant is present in population databases (rs530346284, gnomAD 0.002%). This variant has not been reported in the literature in individuals affected with MAP3K8-related conditions. ClinVar contains an entry for this variant (Variation ID: 1356503). An algorithm developed to predict the effect of missense changes on protein structure and function (PolyPhen-2) suggests that this variant is likely to be disruptive. In summary, the available evidence is currently insufficient to determine the role of this variant in disease. Therefore, it has been classified as a Variant of Uncertain Significance.

NM_005204.4(MAP3K8):c.1324C>T (p.Arg442Cys)

Gene: MAP3K8 (mitogen-activated protein kinase kinase kinase 8; plus strand). Cytogenetic location: 10p11.23.
Variant type: single nucleotide variant.
Coding change: c.1324C>T on transcript NM_005204.4 (MANE Select); coding-DNA position 1324, C replaced by T.
Protein change: p.Arg442Cys; replaces arginine 442 with cysteine.
Molecular consequence: missense variant.
Genome position (GRCh38, 1-based): chr10:30,460,756, C>T. VCF-style: chr10-30460756-C-T. GRCh37 (hg19) VCF-style: chr10-30749685-C-T.
Other names: c.1324C>T, p.Arg442Cys (NM_001244134.1, NM_001320961.2); short protein forms R442C.
Identifiers: ClinVar variation 1356503 (VCV001356503.6), dbSNP rs530346284, ClinGen allele CA5459923.